The following is an entry in ClinVar:

NM_017986.4(SLC52A1):c.376T>C (p.Cys126Arg)

Gene: SLC52A1 (solute carrier family 52 member 1; minus strand). Cytogenetic location: 17p13.2.
Variant type: single nucleotide variant.
Coding change: c.376T>C on transcript NM_017986.4 (MANE Select); coding-DNA position 376, T replaced by C.
Protein change: p.Cys126Arg; replaces cysteine 126 with arginine.
Molecular consequence: missense variant.
Genome position (GRCh38, 1-based): chr17:5,034,113, A>G on the plus strand (T>C on the coding strand, the complement: SLC52A1 is on the minus strand). VCF-style: chr17-5034113-A-G. GRCh37 (hg19) VCF-style: chr17-4937408-A-G.
Other names: c.376T>C, p.Cys126Arg (NM_001104577.2); short protein forms C126R.
Identifiers: ClinVar variation 2063612 (VCV002063612.4), dbSNP rs2508261526, ClinGen allele CA397331635.

ClinVar aggregate classification (germline): Uncertain significance (1 of 4 stars; one submission).

Conditions:
Vitamin B2 deficiency. Identifiers: MedGen C0035528.

Submission:

Labcorp Genetics (formerly Invitae), Labcorp
Classification: Uncertain significance for Vitamin B2 deficiency. Last evaluated: 2025-07-31. Review status: criteria provided, single submitter. Criteria: Invitae Variant Classification Sherloc (09022015). Collection method: clinical testing. Allele origin: germline.
Comment: This sequence change replaces cysteine, which is neutral and slightly polar, with arginine, which is basic and polar, at codon 126 of the SLC52A1 protein (p.Cys126Arg). This variant is not present in population databases (gnomAD no frequency). This variant has not been reported in the literature in individuals affected with SLC52A1-related conditions. ClinVar contains an entry for this variant (Variation ID: 2063612). Invitae Evidence Modeling of protein sequence and biophysical properties (such as structural, functional, and spatial information, amino acid conservation, physicochemical variation, residue mobility, and thermodynamic stability) indicates that this missense variant is expected to disrupt SLC52A1 protein function with a positive predictive value of 80%. In summary, the available evidence is currently insufficient to determine the role of this variant in disease. Therefore, it has been classified as a Variant of Uncertain Significance.